The following is an entry in ClinVar:

NM_001354712.2(THRB):c.885+7A>T

Gene: THRB (thyroid hormone receptor beta; minus strand). Cytogenetic location: 3p24.2.
Variant type: single nucleotide variant.
Coding change: c.885+7A>T on transcript NM_001354712.2 (MANE Select); 7 bases into the intron after coding-DNA position 885, A replaced by T.
Molecular consequence: intron variant.
Genome position (GRCh38, 1-based): chr3:24,133,309, T>A on the plus strand (A>T on the coding strand, the complement: THRB is on the minus strand). VCF-style: chr3-24133309-T-A. GRCh37 (hg19) VCF-style: chr3-24174800-T-A.
Other names: c.885+7A>T (NM_001374822.1, NM_001374823.1, NM_001374824.1 and 12 more transcripts); c.792+7A>T (NM_001354714.2, NM_001354715.2).
Identifiers: ClinVar variation 3057264 (VCV003057264.2), dbSNP rs536530170, ClinGen allele CA2287160.

ClinVar aggregate classification (germline): Likely benign (0 of 4 stars; one submission).

Conditions:
THRB-related disorder. Also called: THRB-related condition.

Allele frequency attached by ClinVar (database versions not stated): TOPMed 0.00003; gnomAD 0.00007; gnomAD exomes 0.00011; 1000 Genomes Project 30x 0.00016; 1000 Genomes Project 0.00020; ExAC 0.00026.
gnomAD v4.1: 171 of 1,613,986 alleles (0.011%); highest among the groups gnomAD compares: South Asian, 0.18%; 2 homozygotes.

Submission:

PreventionGenetics, part of Exact Sciences
Classification: Likely benign for THRB-related condition. Last evaluated: 2024-02-29. Review status: no assertion criteria provided. Collection method: clinical testing. Allele origin: germline.
Comment: This variant is classified as likely benign based on ACMG/AMP sequence variant interpretation guidelines (Richards et al. 2015 PMID: 25741868, with internal and published modifications).